The following is an entry in ClinVar:

ClinVar aggregate classification (germline): Benign/Likely benign. Review status: criteria provided, multiple submitters, no conflicts (2 of 4 stars). 5 submissions from 5 submitters: Benign (2); Likely benign (2). 1 of the submissions does not count toward it. Last evaluated 2026-01-05.

Conditions:
Inborn genetic diseases. Identifiers: MedGen C0950123, MeSH D030342.
Intellectual developmental disorder, autosomal dominant 6, with or without seizures. Also called: GRIN2B-related developmental delay, intellectual disability and autism spectrum disorder; Intellectual disability, autosomal dominant 6. Identifiers: Orphanet 589547, MedGen C3151411, MONDO:0013509, OMIM 613970.
Developmental and epileptic encephalopathy, 27 (DEE27). Also called: GRIN2B-Related Neurodevelopmental Disorder; Epileptic encephalopathy, early infantile, 27. Identifiers: Orphanet 3451, MedGen C4015316, MONDO:0014505, OMIM 616139.
GRIN2B-related disorder. Also called: GRIN2B-related condition.

Allele frequency attached by ClinVar (database versions not stated): ExAC 0.00015; gnomAD 0.00073 and 0.00081; 1000 Genomes Project 0.00020; TOPMed 0.00069; gnomAD exomes 0.00014; 1000 Genomes Project 30x 0.00016; ESP Exome Variant Server 0.00085.
gnomAD v4.1: 179 of 1,613,070 alleles (0.011%); highest among the groups gnomAD compares: African/African-American, 0.21%; 1 homozygote.

Submissions (5):

Labcorp Genetics (formerly Invitae), Labcorp
Classification: Benign for Developmental and epileptic encephalopathy, 27; Intellectual developmental disorder, autosomal dominant 6, with or without seizures. Last evaluated: 2026-01-05. Review status: criteria provided, single submitter. Criteria: Invitae Variant Classification Sherloc (09022015). Collection method: clinical testing. Allele origin: germline.

Blueprint Genetics
Classification: Likely benign. Last evaluated: 2024-09-21. Review status: criteria provided, single submitter. Criteria: ACMG Guidelines, 2015. Collection method: clinical testing. Allele origin: germline.

GeneDx
Classification: Benign. Last evaluated: 2020-02-06. Review status: criteria provided, single submitter. Criteria: GeneDx Variant Classification Process June 2021. Collection method: clinical testing. Allele origin: germline. Affected: yes.

Ambry Genetics
Classification: Likely benign for Inborn genetic diseases. Last evaluated: 2017-01-17. Review status: criteria provided, single submitter. Criteria: Ambry Variant Classification Scheme 2023. Collection method: clinical testing. Allele origin: germline.

PreventionGenetics, part of Exact Sciences
Classification: Likely benign for GRIN2B-related condition. Last evaluated: 2024-05-23. Review status: no assertion criteria provided. Collection method: clinical testing. Allele origin: germline. Not counted in ClinVar's aggregate classification.
Comment: This variant is classified as likely benign based on ACMG/AMP sequence variant interpretation guidelines (Richards et al. 2015 PMID: 25741868, with internal and published modifications).

NM_000834.5(GRIN2B):c.1569C>T (p.Val523=)

Gene: GRIN2B (glutamate ionotropic receptor NMDA type subunit 2B; minus strand). Cytogenetic location: 12p13.1.
Variant type: single nucleotide variant.
Coding change: c.1569C>T on transcript NM_000834.5 (MANE Select); coding-DNA position 1569, C replaced by T.
Protein change: p.Val523=; no amino-acid change (valine 523 retained).
Molecular consequence: synonymous variant.
Genome position (GRCh38, 1-based): chr12:13,615,199, G>A on the plus strand (C>T on the coding strand, the complement: GRIN2B is on the minus strand). VCF-style: chr12-13615199-G-A. GRCh37 (hg19) VCF-style: chr12-13768133-G-A.
Identifiers: ClinVar variation 307749 (VCV000307749.21), dbSNP rs148573953, ClinGen allele CA6461218.
Genomic context (GRCh38, chr12:13,615,199, plus strand): 5'-CCCATTGCTGCGTGACACCATGACACTGATGCCTGTCTCTATGAAGGGCACAGAGAAGTC[G>A]ACCACCTCCGATCGTTCCTCATTGATGGTGAGTGAGCCCACTGCCATGTAGGCCCTCTTC-3'
Protein context (NP_000825.2, residues 513-533): LTINEERSEV[Val523=]DFSVPFIETG